The following is an entry in ClinVar:

NM_000193.4(SHH):c.1258dup (p.Ala420fs)

Gene: SHH (sonic hedgehog signaling molecule; minus strand). Cytogenetic location: 7q36.3.
Variant type: Duplication.
Coding change: c.1258dup on transcript NM_000193.4 (MANE Select); coding-DNA position 1258, one base duplicated (G; older notation c.1258dupG).
Protein change: p.Ala420fs; shifts the reading frame from alanine 420.
Molecular consequence: frameshift variant. On other transcripts: intron variant (1).
Genome position (GRCh38, 1-based): chr7:155,803,031, C duplicated on the plus strand (G on the coding strand, the reverse complement: SHH is on the minus strand). VCF-style (leftmost placement, unchanged base first): chr7-155803030-G-GC. GRCh37 (hg19) VCF-style: chr7-155595724-G-GC.
Other names: c.302-2786dup (NM_001310462.2); short protein forms A420fs.
Identifiers: ClinVar variation 449796 (VCV000449796.2), dbSNP rs1554493633, ClinGen allele CA658657741.

ClinVar aggregate classification (germline): Pathogenic (1 of 4 stars; one submission).

Submission:

GeneDx
Classification: Pathogenic. Last evaluated: 2016-09-21. Review status: criteria provided, single submitter. Criteria: GeneDx Variant Classification (06012015). Collection method: clinical testing. Allele origin: germline. Affected: yes.
Comment: The c.1258dupG pathogenic variant in the SHH gene has not been reported previously as a pathogenic variant nor as a benign variant, to our knowledge. The c.1258dupG variant causes a frameshift starting with codon Alanine 420, changes this amino acid to a Glycine residue and replaces the typical last 43 amino acid residues in the sonic hedgehog protein with an unknown number of different amino acid residues, which can be described as p.Ala420GlyfsX?. This change is expected to alter the normal structure and function of the resultant protein. The c.1258dupG variant was not observed in the Exome Aggregation Consortium (ExAC) data set, indicating it is not a common benign variant. We interpret c.1258dupG as a pathogenic variant.